The following is an entry in ClinVar:

ClinVar aggregate classification (germline): Conflicting classifications of pathogenicity. Review status: criteria provided, conflicting classifications (1 of 4 stars). 5 submissions from 5 submitters: Uncertain significance (3); Likely benign (1). 1 of the submissions does not count toward it. Last evaluated 2025-10-01.

Conditions:
Cardiovascular phenotype. Identifiers: MedGen CN230736.
X-linked Emery-Dreifuss muscular dystrophy. Also called: Muscular dystrophy, tardive Emery-Dreifuss type, with contractures. Identifiers: Orphanet 261, Orphanet 98863, MedGen C0751337, MONDO:0010680.
Emery-Dreifuss muscular dystrophy (EDMD). Also called: Scapuloperoneal syndrome, X-linked (formerly); Humeroperoneal neuromuscular disease, (formerly). Identifiers: Orphanet 261, MedGen C0410189, MONDO:0016830.

Allele frequency attached by ClinVar (database versions not stated): ExAC 0.00001; gnomAD exomes 0.00003 and 0.00004; ESP Exome Variant Server 0.00009.

Submissions (5):

Labcorp Genetics (formerly Invitae), Labcorp
Classification: Likely benign for X-linked Emery-Dreifuss muscular dystrophy. Last evaluated: 2025-10-01. Review status: criteria provided, single submitter. Criteria: Invitae Variant Classification Sherloc (09022015). Collection method: clinical testing. Allele origin: germline.

Ambry Genetics
Classification: Uncertain significance for Cardiovascular phenotype. Last evaluated: 2024-05-17. Review status: criteria provided, single submitter. Criteria: Ambry Variant Classification Scheme 2023. Collection method: clinical testing. Allele origin: germline.
Comment: The c.449+5G>A intronic variant results from a G to A substitution 5 nucleotides after coding exon 5 in the EMD gene. Based on data from gnomAD, the A allele has an overall frequency of 0.0027% (5/183318) total alleles studied, with 3 hemizygote(s) observed. The highest observed frequency was 0.0221% (1/4531) of 'Other' alleles. This nucleotide position is highly conserved in available vertebrate species. In silico splice site analysis predicts that this alteration will weaken the native splice donor site. Based on the available evidence, the clinical significance of this variant remains unclear.

Fulgent Genetics
Classification: Uncertain significance for Emery-Dreifuss muscular dystrophy 1, X-linked. Last evaluated: 2021-10-21. Review status: criteria provided, single submitter. Criteria: ACMG Guidelines, 2015. Collection method: clinical testing. Allele origin: unknown.

GeneDx
Classification: Uncertain significance. Last evaluated: 2021-04-29. Review status: criteria provided, single submitter. Criteria: GeneDx Variant Classification Process June 2021. Collection method: clinical testing. Allele origin: germline. Affected: yes.
Comment: Has not been previously published as pathogenic or benign to our knowledge; Reported in ClinVar but additional evidence is not available (ClinVar Variant ID #201773; Landrum et al., 2016); Intronic +5 splice site variant in a gene for which loss-of-function is a known mechanism of disease, and both splice predictors and evolutionary conservation support a deleterious effect, although in the absence of functional evidence the actual effect of this sequence change is unknown.; This variant is associated with the following publications: (PMID: 31589614)

Natera, Inc.
Classification: Uncertain significance for Emery-Dreifuss muscular dystrophy. Last evaluated: 2020-09-16. Review status: no assertion criteria provided. Collection method: clinical testing. Allele origin: germline. Not counted in ClinVar's aggregate classification.

NM_000117.3(EMD):c.449+5G>A

Gene: EMD (emerin; plus strand). Cytogenetic location: Xq28.
Variant type: single nucleotide variant.
Coding change: c.449+5G>A on transcript NM_000117.3 (MANE Select); 5 bases into the intron after coding-DNA position 449, G replaced by A.
Molecular consequence: intron variant.
Genome position (GRCh38, 1-based): chrX:154,380,807, G>A. VCF-style: chrX-154380807-G-A. GRCh37 (hg19) VCF-style: chrX-153609167-G-A.
Identifiers: ClinVar variation 201773 (VCV000201773.15), dbSNP rs370840449, ClinGen allele CA335149.